The following is an entry in ClinVar:

NM_016222.4(DDX41):c.617C>T (p.Pro206Leu)

Gene: DDX41 (DEAD-box helicase 41; minus strand). Cytogenetic location: 5q35.3.
Variant type: single nucleotide variant.
Coding change: c.617C>T on transcript NM_016222.4 (MANE Select); coding-DNA position 617, C replaced by T.
Protein change: p.Pro206Leu; replaces proline 206 with leucine.
Molecular consequence: missense variant.
Genome position (GRCh38, 1-based): chr5:177,515,213, G>A on the plus strand (C>T on the coding strand, the complement: DDX41 is on the minus strand). VCF-style: chr5-177515213-G-A. GRCh37 (hg19) VCF-style: chr5-176942214-G-A.
Other names: c.239C>T, p.Pro80Leu (NM_001321732.2, NM_001321830.2); short protein forms P206L, P80L.
Identifiers: ClinVar variation 1315331 (VCV001315331.2), dbSNP rs1480532080, ClinGen allele CA362375631.

ClinVar aggregate classification (germline): Uncertain significance (1 of 4 stars; one submission).

Allele frequency attached by ClinVar (database versions not stated): TOPMed below 0.00001.

Submission:

GeneDx
Classification: Uncertain significance. Last evaluated: 2020-01-29. Review status: criteria provided, single submitter. Criteria: GeneDx Variant Classification Process June 2021. Collection method: clinical testing. Allele origin: germline. Affected: yes.
Comment: Not observed in large population cohorts (Lek et al., 2016); In silico analysis, which includes protein predictors and evolutionary conservation, supports a deleterious effect; Has not been previously published as pathogenic or benign to our knowledge